The following is an entry in ClinVar:

ClinVar aggregate classification (germline): Uncertain significance (1 of 4 stars; one submission).

Conditions:
Peroxisome biogenesis disorder 11A (Zellweger). Also called: Peroxisome biogenesis disorder 11A. Identifiers: Orphanet 912, MedGen C3554000, MONDO:0013949, OMIM 614883.

Submission:

Labcorp Genetics (formerly Invitae), Labcorp
Classification: Uncertain significance for Peroxisome biogenesis disorder 11A (Zellweger). Last evaluated: 2022-10-25. Review status: criteria provided, single submitter. Criteria: Invitae Variant Classification Sherloc (09022015). Collection method: clinical testing. Allele origin: germline.
Comment: This variant is not present in population databases (gnomAD no frequency). In summary, the available evidence is currently insufficient to determine the role of this variant in disease. Therefore, it has been classified as a Variant of Uncertain Significance. Advanced modeling of protein sequence and biophysical properties (such as structural, functional, and spatial information, amino acid conservation, physicochemical variation, residue mobility, and thermodynamic stability) performed at Invitae indicates that this missense variant is expected to disrupt PEX13 protein function. This variant has not been reported in the literature in individuals affected with PEX13-related conditions. This sequence change replaces isoleucine, which is neutral and non-polar, with threonine, which is neutral and polar, at codon 291 of the PEX13 protein (p.Ile291Thr).

NM_002618.4(PEX13):c.872T>C (p.Ile291Thr)

Gene: PEX13 (peroxisomal biogenesis factor 13; plus strand). Cytogenetic location: 2p15.
Variant type: single nucleotide variant.
Coding change: c.872T>C on transcript NM_002618.4 (MANE Select); coding-DNA position 872, T replaced by C.
Protein change: p.Ile291Thr; replaces isoleucine 291 with threonine.
Molecular consequence: missense variant.
Genome position (GRCh38, 1-based): chr2:61,045,810, T>C. VCF-style: chr2-61045810-T-C. GRCh37 (hg19) VCF-style: chr2-61272945-T-C.
Other names: short protein forms I291T.
Identifiers: ClinVar variation 1715387 (VCV001715387.6), dbSNP rs1680696719, ClinGen allele CA346948712.
Genomic context (GRCh38, chr2:61,045,810, plus strand): 5'-AGGATGACCATGTAGTTGCCAGAGCAGAATATGATTTTGCTGCCGTATCTGAAGAAGAAA[T>C]TTCTTTCCGGGCTGGTGATATGCTGAACTTAGCTCTCAAAGGTAATAAATTATGAATAAG-3'
Protein context (NP_002609.1, residues 281-301): YDFAAVSEEE[Ile291Thr]SFRAGDMLNL